The following is an entry in ClinVar:

ClinVar aggregate classification (germline): Conflicting classifications of pathogenicity. Review status: criteria provided, conflicting classifications (1 of 4 stars). 2 submissions from 2 submitters: Uncertain significance (1); Likely benign (1). Last evaluated 2024-02-06.

Conditions:
Inborn genetic diseases. Identifiers: MedGen C0950123, MeSH D030342.

Allele frequency attached by ClinVar (database versions not stated): gnomAD 0.00001; gnomAD exomes 0.00001 and 0.00004; TOPMed 0.00001; ExAC 0.00005.
gnomAD v4.1: 16 of 1,614,070 alleles (0.00099%); highest among the groups gnomAD compares: East Asian, 0.031%; no homozygotes.

Submissions (2):

Ambry Genetics
Classification: Likely benign for Inborn genetic diseases. Last evaluated: 2024-02-06. Review status: criteria provided, single submitter. Criteria: Ambry Variant Classification Scheme 2023. Collection method: clinical testing. Allele origin: germline.

Labcorp Genetics (formerly Invitae), Labcorp
Classification: Uncertain significance. Last evaluated: 2020-03-10. Review status: criteria provided, single submitter. Criteria: Invitae Variant Classification Sherloc (09022015). Collection method: clinical testing. Allele origin: germline.
Comment: In summary, the available evidence is currently insufficient to determine the role of this variant in disease. Therefore, it has been classified as a Variant of Uncertain Significance. Algorithms developed to predict the effect of missense changes on protein structure and function output the following: SIFT: "Tolerated"; PolyPhen-2: "Benign"; Align-GVGD: "Class C0". The arginine amino acid residue is found in multiple mammalian species, suggesting that this missense change does not adversely affect protein function. These predictions have not been confirmed by published functional studies and their clinical significance is uncertain. This variant has not been reported in the literature in individuals with CNGA1-related conditions. This variant is present in population databases (rs761341105, ExAC 0.07%). This sequence change replaces lysine with arginine at codon 600 of the CNGA1 protein (p.Lys600Arg). The lysine residue is weakly conserved and there is a small physicochemical difference between lysine and arginine.

NM_001379270.1(CNGA1):c.1787A>G (p.Lys596Arg)

Genes: CNGA1 (cyclic nucleotide gated channel subunit alpha 1; minus strand), LOC101927157 (uncharacterized LOC101927157; plus strand). Cytogenetic location: 4p12.
Variant type: single nucleotide variant.
Coding change: c.1787A>G on transcript NM_001379270.1 (MANE Select); coding-DNA position 1787, A replaced by G.
Protein change: p.Lys596Arg; replaces lysine 596 with arginine.
Molecular consequence: missense variant.
Genome position (GRCh38, 1-based): chr4:47,936,695, T>C on the plus strand (A>G on the coding strand, the complement: CNGA1 is on the minus strand). VCF-style: chr4-47936695-T-C. GRCh37 (hg19) VCF-style: chr4-47938712-T-C.
Other names: c.1787A>G, p.Lys596Arg (NM_000087.5, NM_001142564.2); short protein forms K596R.
Identifiers: ClinVar variation 860043 (VCV000860043.9), dbSNP rs761341105, ClinGen allele CA2911012.